The following is an entry in ClinVar:

ClinVar aggregate classification (germline): Conflicting classifications of pathogenicity. Review status: criteria provided, conflicting classifications (1 of 4 stars). 14 submissions from 14 submitters: Uncertain significance (6); Likely benign (5). 3 of the submissions do not count toward it. Last evaluated 2026-02-03.

Conditions:
Hereditary cancer-predisposing syndrome. Also called: Neoplastic Syndromes, Hereditary; Tumor predisposition; Hereditary Cancer Syndrome; Hereditary neoplastic syndrome. Identifiers: Orphanet 140162, MedGen C0027672, MeSH D009386, MONDO:0015356.
Familial prostate cancer. Also called: Hereditary Prostate Cancer. Identifiers: MedGen C2931456, MONDO:0700275, OMIM 176807.
Hereditary breast ovarian cancer syndrome. Also called: Breast and ovarian cancer; Hereditary breast and ovarian cancer; Hereditary breast and ovarian cancer syndrome (HBOC); Hereditary breast and ovarian cancer syndrome; BRCA1- and BRCA2-Associated Hereditary Breast and Ovarian Cancer; Hereditary breast and/or ovarian cancer syndrome. Identifiers: Orphanet 145, MedGen C0677776, MeSH D061325, MONDO:0003582. Disease mechanism: loss of function.
Breast-ovarian cancer, familial, susceptibility to, 2 (BROVCA2). Also called: BRCA2 Hereditary Breast and Ovarian Cancer. Identifiers: Orphanet 145, MedGen C2675520, MONDO:0012933, OMIM 612555. Disease mechanism: loss of function.

Allele frequency attached by ClinVar (database versions not stated): TOPMed below 0.00001; ExAC 0.00002; gnomAD exomes 0.00002.
gnomAD v4.1: 13 of 1,602,876 alleles (0.00081%); highest among the groups gnomAD compares: South Asian, 0.0034%; no homozygotes.

Submissions (14):

Labcorp Genetics (formerly Invitae), Labcorp
Classification: Likely benign for Hereditary breast ovarian cancer syndrome. Last evaluated: 2026-02-03. Review status: criteria provided, single submitter. Criteria: Invitae Variant Classification Sherloc (09022015). Collection method: clinical testing. Allele origin: germline.

Ambry Genetics
Classification: Uncertain significance for Hereditary cancer-predisposing syndrome. Last evaluated: 2025-06-18. Review status: criteria provided, single submitter. Criteria: Ambry Variant Classification Scheme 2023. Collection method: clinical testing. Allele origin: germline.

Department of Pathology and Laboratory Medicine, Sinai Health System
Classification: Likely benign for Familial prostate cancer. Last evaluated: 2025-02-06. Review status: criteria provided, single submitter. Criteria: ACMG Guidelines, 2015. Collection method: clinical testing. Allele origin: germline. Affected: yes.

Color Diagnostics, LLC DBA Color Health
Classification: Likely benign for Hereditary cancer-predisposing syndrome. Last evaluated: 2024-11-14. Review status: criteria provided, single submitter. Criteria: ACMG Guidelines, 2015. Collection method: clinical testing. Allele origin: germline.

Quest Diagnostics Nichols Institute San Juan Capistrano
Classification: Uncertain significance. Last evaluated: 2024-07-16. Review status: criteria provided, single submitter. Criteria: Quest Diagnostics criteria. Collection method: clinical testing. Allele origin: unknown.
Comment: In addition, this variant was reported as being likely benign in a multifactorial likelihood study (PMID: 31131967 (2019)) and described to be located in a region of the BRCA2 gene that is tolerant to missense sequence changes (PMID: 31911673 (2020)). The frequency of this variant in the general population, 0.00011 (3/28218 chromosomes (Genome Aggregation Database)), is uninformative in the assessment of its pathogenicity. Analysis of this variant using bioinformatics tools for the prediction of the effect of amino acid changes on protein structure and function yielded predictions that this variant is benign. Based on the available information, we are unable to determine the clinical significance of this variant.

All of Us Research Program, National Institutes of Health
Classification: Uncertain significance for Breast-ovarian cancer, familial, susceptibility to, 2. Last evaluated: 2024-02-05. Review status: criteria provided, single submitter. Criteria: ACMG Guidelines, 2015. Collection method: clinical testing. Allele origin: germline. Inheritance: Autosomal dominant inheritance. Observed: 2 variant alleles, 2 heterozygotes.
Comment: This missense variant replaces threonine with alanine at codon 1723 of the BRCA2 protein. Computational prediction suggests that this variant may not impact protein structure and function (internally defined REVEL score threshold <= 0.5, PMID: 27666373). To our knowledge, functional studies have not been reported for this variant. This variant has been reported in individuals affected with breast cancer (PMID: 18627636, 21218378). This variant has been reported in a multifactorial analysis with a segregation likelihood ratio for pathogenicity of 0.1162 (PMID: 31131967). This variant has also been identified in 5/242170 chromosomes in the general population by the Genome Aggregation Database (gnomAD). The available evidence is insufficient to determine the role of this variant in disease conclusively. Therefore, this variant is classified as a Variant of Uncertain Significance.

This study involves interpretation of variants in research participants for the purpose of population health screening. Participant phenotype was not available at the time of variant classification. Additional details can be found in publication PMID: 35346344, PMCID: PMC8962531

University of Washington Department of Laboratory Medicine, University of Washington
Classification: Likely benign for Hereditary cancer-predisposing syndrome. Last evaluated: 2023-03-23. Review status: criteria provided, single submitter. Criteria: Dines et al. (Genet Med. 2020). Collection method: curation. Allele origin: germline.
Comment: Missense variant in a coldspot region where missense variants are very unlikely to be pathogenic (PMID:31911673).

BRCA2 exon 11 coldspot. Reclassification based on statistical prior probability.

Women's Health and Genetics/Laboratory Corporation of America, LabCorp
Classification: Uncertain significance. Last evaluated: 2022-04-24. Review status: criteria provided, single submitter. Criteria: LabCorp Variant Classification Summary - May 2015. Collection method: clinical testing. Allele origin: germline.
Comment: Variant summary: BRCA2 c.5167A>G (p.Thr1723Ala) results in a non-conservative amino acid change in the encoded protein sequence. Four of five in-silico tools predict a benign effect of the variant on protein function. The variant allele was found at a frequency of 2.1e-05 in 242170 control chromosomes. The available data on variant occurrences in the general population are insufficient to allow any conclusion about variant significance. c.5167A>G has been reported in the literature in at-least one individual with breast cancer whose unaffected mother also carried the same variant (example, Carney_2010). These report(s) do not provide unequivocal conclusions about association of the variant with Hereditary Breast And Ovarian Cancer Syndrome. Multifactorial probability models have predicted a final classification as "Likely Benign" (example, Parsons_2019). To our knowledge, no experimental evidence demonstrating an impact on protein function has been reported. Seven clinical diagnostic laboratories have submitted clinical-significance assessments for this variant to ClinVar after 2014 without evidence for independent evaluation. Multiple laboratories reported the variant with conflicting assessments (likely benign, n=2; VUS, n=5). Based on the evidence outlined above, the variant was classified as VUS-possibly benign.

GeneDx
Classification: Likely benign. Last evaluated: 2021-01-27. Review status: criteria provided, single submitter. Criteria: GeneDx Variant Classification Process June 2021. Collection method: clinical testing. Allele origin: germline. Affected: yes.
Comment: Not observed at a significant frequency in large population cohorts (Lek et al., 2016); In silico analysis supports that this missense variant does not alter protein structure/function; This variant is associated with the following publications: (PMID: 21218378, 25348012, 31131967)

ARUP Laboratories, Molecular Genetics and Genomics, ARUP Laboratories
Classification: Uncertain significance. Last evaluated: 2018-12-04. Review status: criteria provided, single submitter. Criteria: ARUP Molecular Germline Variant Investigation Process. Collection method: clinical testing. Allele origin: germline.
Comment: The BRCA2 c.5167A>G; This variant is reported in ClinVar (Variation ID: 51794) and is found on five chromosomes in the Genome Aggregation Database. The threonine at codon 1723 is weakly conserved, and computational analyses (SIFT, PolyPhen-2) predict that this variant is tolerated. However, given the lack of clinical and functional data, the significance of the p.Thr1723Ala variant is uncertain at this time. References: Carney ME et al. Detection of BRCA1 and BRCA2 mutations in a selected Hawaii population. Hawaii Med J. 2010 Nov;69(11):268-71.

Molecular Endocrinology Laboratory, Christian Medical College
Classification: Uncertain significance for Breast-ovarian cancer, familial, susceptibility to, 2. Review status: criteria provided, single submitter. Criteria: ACMG Guidelines, 2015. Collection method: clinical testing. Allele origin: germline. Affected: yes.

Genetic Services Laboratory, University of Chicago
Classification: Uncertain significance. Last evaluated: 2022-07-29. Review status: no assertion criteria provided. Collection method: clinical testing. Allele origin: germline. Affected: no. Not counted in ClinVar's aggregate classification.
Comment: DNA sequence analysis of the BRCA2 gene demonstrated a sequence change, c.5167A>G, in exon 11 that results in an amino acid change, p.Thr1723Ala. This sequence change does not appear to have been previously described in individuals with BRCA2-related disorders and has been described in the gnomAD database with a frequency of 0.002% in the overall population (dbSNP rs80358742). The p.Thr1723Ala change affects a poorly conserved amino acid residue located in a domain of the BRCA2 protein that is known to be functional. The p.Thr1723Ala substitution appears to be benign using several in-silico pathogenicity prediction tools (SIFT, PolyPhen2, Align GVGD, REVEL). Due to insufficient evidences and the lack of functional studies, the clinical significance of the p.Thr1723Ala change remains unknown at this time.

Counsyl
Classification: Uncertain significance for Breast-ovarian cancer, familial, susceptibility to, 2. Last evaluated: 2018-01-30. Review status: no assertion criteria provided. Collection method: clinical testing. Allele origin: unknown. Not counted in ClinVar's aggregate classification.

Breast Cancer Information Core (BIC) (BRCA2)
Classification: Uncertain significance for Breast-ovarian cancer, familial 2. Last evaluated: 2004-02-20. Review status: no assertion criteria provided. Collection method: clinical testing. Allele origin: germline. Affected: yes. Observed: 1 variant allele. Not counted in ClinVar's aggregate classification.

Literature cited by the submitters: PubMed 31131967 (cited by 4 submitters); PubMed 21218378 (cited by 5 submitters); PubMed 31911673 (cited by Quest Diagnostics Nichols Institute San Juan Capistrano); PubMed 18627636 (cited by 3 submitters).

NM_000059.4(BRCA2):c.5167A>G (p.Thr1723Ala)

Gene: BRCA2 (BRCA2 DNA repair associated; plus strand). Cytogenetic location: 13q13.1.
Variant type: single nucleotide variant.
Coding change: c.5167A>G on transcript NM_000059.4 (MANE Select); coding-DNA position 5167, A replaced by G.
Protein change: p.Thr1723Ala; replaces threonine 1723 with alanine.
Molecular consequence: missense variant.
Genome position (GRCh38, 1-based): chr13:32,339,522, A>G. VCF-style: chr13-32339522-A-G. GRCh37 (hg19) VCF-style: chr13-32913659-A-G.
Other names: short protein forms T1723A.
Identifiers: ClinVar variation 51794 (VCV000051794.43), dbSNP rs80358742, ClinGen allele CA021522.